The following is an entry in ClinVar:

NM_022552.5(DNMT3A):c.1593C>T (p.Asp531=)

Gene: DNMT3A (DNA methyltransferase 3 alpha; minus strand). Cytogenetic location: 2p23.3.
Variant type: single nucleotide variant.
Coding change: c.1593C>T on transcript NM_022552.5 (MANE Select); coding-DNA position 1593, C replaced by T.
Protein change: p.Asp531=; no amino-acid change (aspartic acid 531 retained).
Molecular consequence: synonymous variant. On other transcripts: non-coding transcript variant (1).
Genome position (GRCh38, 1-based): chr2:25,244,614, G>A on the plus strand (C>T on the coding strand, the complement: DNMT3A is on the minus strand). VCF-style: chr2-25244614-G-A. GRCh37 (hg19) VCF-style: chr2-25467483-G-A.
Other names: c.1593C>T (NM_022552.3); c.1137C>T, p.Asp379= (NM_001320893.1); c.924C>T, p.Asp308= (NM_001375819.1); c.1026C>T, p.Asp342= (NM_153759.3); c.1593C>T, p.Asp531= (NM_175629.2).
Identifiers: ClinVar variation 2202490 (VCV002202490.6), dbSNP rs778834189, ClinGen allele CA1555934.

ClinVar aggregate classification (germline): Likely benign. Review status: criteria provided, multiple submitters, no conflicts (2 of 4 stars). 3 submissions from 3 submitters: Likely benign (2). 1 of the submissions does not count toward it. Last evaluated 2024-12-02.

Conditions:
Tatton-Brown-Rahman overgrowth syndrome. Also called: Tatton-Brown-Rahman syndrome; Tall stature-intellectual disability-facial dysmorphism syndrome. Identifiers: Orphanet 404443, MedGen C4014545, MONDO:0014382, OMIM 615879.
DNMT3A-related disorder. Also called: DNMT3A-related disorders; DNMT3A-related condition.
Inborn genetic diseases. Identifiers: MedGen C0950123, MeSH D030342.

Allele frequency attached by ClinVar (database versions not stated): gnomAD exomes below 0.00001; TOPMed below 0.00001; ExAC 0.00001.
gnomAD v4.1: 4 of 1,614,080 alleles (0.00025%); highest among the groups gnomAD compares: Non-Finnish European, 0.00025%; no homozygotes.

Submissions (3):

Ambry Genetics
Classification: Likely benign for Inborn genetic diseases. Last evaluated: 2024-12-02. Review status: criteria provided, single submitter. Criteria: Ambry Variant Classification Scheme 2023. Collection method: clinical testing. Allele origin: germline.

Labcorp Genetics (formerly Invitae), Labcorp
Classification: Likely benign for Tatton-Brown-Rahman overgrowth syndrome. Last evaluated: 2022-07-01. Review status: criteria provided, single submitter. Criteria: Invitae Variant Classification Sherloc (09022015). Collection method: clinical testing. Allele origin: germline.

PreventionGenetics, part of Exact Sciences
Classification: Likely benign for DNMT3A-related condition. Last evaluated: 2022-11-23. Review status: no assertion criteria provided. Collection method: clinical testing. Allele origin: germline. Not counted in ClinVar's aggregate classification.
Comment: This variant is classified as likely benign based on ACMG/AMP sequence variant interpretation guidelines (Richards et al. 2015 PMID: 25741868, with internal and published modifications).